The following is an entry in ClinVar:

NM_015409.5(EP400):c.8178A>G (p.Gln2726=)

Gene: EP400 (E1A binding protein p400; plus strand). Cytogenetic location: 12q24.33.
Variant type: single nucleotide variant.
Coding change: c.8178A>G on transcript NM_015409.5 (MANE Select); coding-DNA position 8178, A replaced by G.
Protein change: p.Gln2726=; no amino-acid change (glutamine 2726 retained).
Molecular consequence: synonymous variant.
Genome position (GRCh38, 1-based): chr12:132,062,545, A>G. VCF-style: chr12-132062545-A-G. GRCh37 (hg19) VCF-style: chr12-132547090-A-G.
Identifiers: ClinVar variation 3059479 (VCV003059479.2), dbSNP rs7974276, ClinGen allele CA6887027.

ClinVar aggregate classification (germline): Likely benign (0 of 4 stars; one submission).

Conditions:
EP400-related disorder. Also called: EP400-related condition.

Allele frequency attached by ClinVar (database versions not stated): gnomAD 0.05824; ExAC 0.05840; 1000 Genomes Project 0.28954.

Submission:

PreventionGenetics, part of Exact Sciences
Classification: Likely benign for EP400-related condition. Last evaluated: 2023-07-12. Review status: no assertion criteria provided. Collection method: clinical testing. Allele origin: germline.
Comment: This variant is classified as likely benign based on ACMG/AMP sequence variant interpretation guidelines (Richards et al. 2015 PMID: 25741868, with internal and published modifications).